The following is an entry in ClinVar:

ClinVar aggregate classification (germline): Likely pathogenic. Review status: criteria provided, multiple submitters, no conflicts (2 of 4 stars). 2 submissions from 2 submitters: Likely pathogenic (2). Last evaluated 2026-01-29.

Conditions:
Hyperlipoproteinemia, type I. Also called: HYPERLIPOPROTEINEMIA, TYPE IA; LPL DEFICIENCY; Lipase D deficiency; Familial Lipoprotein Lipase Deficiency; Familial hyperlipo-proteinemia type 1; Hyperlipemia essential familial. Identifiers: Orphanet 309015, Orphanet 444490, MedGen C0023817, MONDO:0009387, OMIM 238600. Disease mechanism: loss of function.

Allele frequency attached by ClinVar (database versions not stated): gnomAD 0.00002; ExAC 0.00003; 1000 Genomes Project 0.00020; 1000 Genomes Project 30x 0.00016.
gnomAD v4.1: 22 of 1,614,190 alleles (0.0014%); highest among the groups gnomAD compares: South Asian, 0.019%; no homozygotes.

Submissions (2):

Natera, Inc.
Classification: Likely pathogenic for Lipoprotein lipase deficiency. Last evaluated: 2026-01-29. Review status: criteria provided, single submitter. Criteria: Natera Variant Classification Schema (03/2026). Collection method: clinical testing. Allele origin: germline.
Comment: The c.680T>C variant in LPL is a missense variant predicted to cause substitution of valine to alanine at amino acid 227. This variant is rare in the general population with a frequency below the threshold expected for the associated phenotype(s). This variant has been observed in one or more individuals affected with the associated recessive disease, as either homozygous or compound heterozygous with a second variant (PMID: 30685441). Functional studies show that this variant may disrupt protein function (PMID: 30685441). Computational prediction algorithms indicate this variant is likely to affect gene or protein function. Given the available evidence, this variant is classified as Likely Pathogenic.

Revvity Omics, Revvity
Classification: Likely pathogenic. Last evaluated: 2023-01-08. Review status: criteria provided, single submitter. Criteria: ACMG Guidelines, 2015. Collection method: clinical testing. Allele origin: germline.

Literature cited by the submitters: PubMed 30685441 (cited by Natera, Inc.).

NM_000237.3(LPL):c.680T>C (p.Val227Ala)

Gene: LPL (lipoprotein lipase; plus strand). Cytogenetic location: 8p21.3.
Variant type: single nucleotide variant.
Coding change: c.680T>C on transcript NM_000237.3 (MANE Select); coding-DNA position 680, T replaced by C.
Protein change: p.Val227Ala; replaces valine 227 with alanine.
Molecular consequence: missense variant.
Genome position (GRCh38, 1-based): chr8:19,954,258, T>C. VCF-style: chr8-19954258-T-C. GRCh37 (hg19) VCF-style: chr8-19811769-T-C.
Other names: c.680T>C (NM_000237.2); short protein forms V227A.
Identifiers: ClinVar variation 2441229 (VCV002441229.4), dbSNP rs528243561, ClinGen allele CA4655491.